The following is an entry in ClinVar:

NM_002294.3(LAMP2):c.811C>A (p.Leu271Ile)

Gene: LAMP2 (lysosome associated membrane protein 2; minus strand). Cytogenetic location: Xq24.
Variant type: single nucleotide variant.
Coding change: c.811C>A on transcript NM_002294.3 (MANE Select); coding-DNA position 811, C replaced by A.
Protein change: p.Leu271Ile; replaces leucine 271 with isoleucine.
Molecular consequence: missense variant.
Genome position (GRCh38, 1-based): chrX:120,446,358, G>T on the plus strand (C>A on the coding strand, the complement: LAMP2 is on the minus strand). VCF-style: chrX-120446358-G-T. GRCh37 (hg19) VCF-style: chrX-119580213-G-T.
Other names: c.811C>A, p.Leu271Ile (NM_001122606.1, NM_013995.2); short protein forms L271I.
Identifiers: ClinVar variation 4740548 (VCV004740548.1).

ClinVar aggregate classification (germline): Uncertain significance (1 of 4 stars; one submission).

Conditions:
Danon disease. Also called: GSD IIb; LYSOSOMAL GLYCOGEN STORAGE DISEASE WITHOUT ACID MALTASE DEFICIENCY; Glycogen Storage Disease Type IIb; ANTOPOL DISEASE; PSEUDOGLYCOGENOSIS II. Identifiers: Orphanet 34587, MedGen C0878677, MONDO:0010281, OMIM 300257.

Submission:

Labcorp Genetics (formerly Invitae), Labcorp
Classification: Uncertain significance for Danon disease. Last evaluated: 2025-09-22. Review status: criteria provided, single submitter. Criteria: Invitae Variant Classification Sherloc (09022015). Collection method: clinical testing. Allele origin: germline.
Comment: This sequence change replaces leucine, which is neutral and non-polar, with isoleucine, which is neutral and non-polar, at codon 271 of the LAMP2 protein (p.Leu271Ile). This variant is not present in population databases (gnomAD no frequency). This variant has not been reported in the literature in individuals affected with LAMP2-related conditions. Invitae Evidence Modeling of protein sequence and biophysical properties (such as structural, functional, and spatial information, amino acid conservation, physicochemical variation, residue mobility, and thermodynamic stability) indicates that this missense variant is not expected to disrupt LAMP2 protein function with a negative predictive value of 80%. In summary, the available evidence is currently insufficient to determine the role of this variant in disease. Therefore, it has been classified as a Variant of Uncertain Significance.